The following is an entry in ClinVar:

ClinVar aggregate classification (germline): Uncertain significance (1 of 4 stars; one submission).

Conditions:
Inborn genetic diseases. Identifiers: MedGen C0950123, MeSH D030342.

Submission:

Ambry Genetics
Classification: Uncertain significance for Inborn genetic diseases. Last evaluated: 2026-06-18. Review status: criteria provided, single submitter. Criteria: Ambry Variant Classification Scheme 2023. Collection method: clinical testing. Allele origin: germline.
Comment: The c.11285A>G (p.D3762G) alteration is located in exon 60 (coding exon 60) of the DYNC1H1 gene. This alteration results from an A to G substitution at nucleotide position 11285, causing the aspartic acid (D) at amino acid position 3762 to be replaced by a glycine (G). This variant was not reported in population-based cohorts in the Genome Aggregation Database (gnomAD). This amino acid position is highly conserved in available vertebrate species. This missense variant is located in a region that has a low rate of benign missense variation (Lek, 2016; Firth, 2009). This alteration is predicted to be deleterious by in silico analysis. Based on insufficient or conflicting evidence, the clinical significance of this alteration remains unclear.

NM_001376.5(DYNC1H1):c.11285A>G (p.Asp3762Gly)

Gene: DYNC1H1 (dynein cytoplasmic 1 heavy chain 1; plus strand). Cytogenetic location: 14q32.31.
Variant type: single nucleotide variant.
Coding change: c.11285A>G on transcript NM_001376.5 (MANE Select); coding-DNA position 11285, A replaced by G.
Protein change: p.Asp3762Gly; replaces aspartic acid 3762 with glycine.
Molecular consequence: missense variant.
Genome position (GRCh38, 1-based): chr14:102,039,079, A>G. VCF-style: chr14-102039079-A-G. GRCh37 (hg19) VCF-style: chr14-102505416-A-G.
Other names: short protein forms D3762G.
Identifiers: ClinVar variation 4870163 (VCV004870163.2).